The following is an entry in ClinVar:

ClinVar aggregate classification (germline): Uncertain significance (1 of 4 stars; one submission).

Submission:

Labcorp Genetics (formerly Invitae), Labcorp
Classification: Uncertain significance. Last evaluated: 2021-10-24. Review status: criteria provided, single submitter. Criteria: Invitae Variant Classification Sherloc (09022015). Collection method: clinical testing. Allele origin: germline.
Comment: In summary, the available evidence is currently insufficient to determine the role of this variant in disease. Therefore, it has been classified as a Variant of Uncertain Significance. Algorithms developed to predict the effect of missense changes on protein structure and function output the following: SIFT: "Tolerated"; PolyPhen-2: "Benign"; Align-GVGD: "Class C0". The threonine amino acid residue is found in multiple mammalian species, which suggests that this missense change does not adversely affect protein function. This variant has not been reported in the literature in individuals affected with ENPP1-related conditions. This variant is not present in population databases (ExAC no frequency). This sequence change replaces proline with threonine at codon 194 of the ENPP1 protein (p.Pro194Thr). The proline residue is weakly conserved and there is a small physicochemical difference between proline and threonine.

NM_006208.3(ENPP1):c.580C>A (p.Pro194Thr)

Gene: ENPP1 (ectonucleotide pyrophosphatase/phosphodiesterase 1; plus strand). Cytogenetic location: 6q23.2.
Variant type: single nucleotide variant.
Coding change: c.580C>A on transcript NM_006208.3 (MANE Select); coding-DNA position 580, C replaced by A.
Protein change: p.Pro194Thr; replaces proline 194 with threonine.
Molecular consequence: missense variant.
Genome position (GRCh38, 1-based): chr6:131,852,198, C>A. VCF-style: chr6-131852198-C-A. GRCh37 (hg19) VCF-style: chr6-132173338-C-A.
Other names: short protein forms P194T.
Identifiers: ClinVar variation 1484160 (VCV001484160.6), dbSNP rs2114693565, ClinGen allele CA365663354.